The following is an entry in ClinVar:

NM_001378454.1(ALMS1):c.8343del (p.Asp2782fs)

Gene: ALMS1 (ALMS1 centrosome and basal body associated protein; plus strand). Cytogenetic location: 2p13.1.
Variant type: Deletion.
Coding change: c.8343del on transcript NM_001378454.1 (MANE Select); coding-DNA position 8343, one base deleted (A; older notation c.8343delA).
Protein change: p.Asp2782fs; shifts the reading frame from aspartic acid 2782.
Molecular consequence: frameshift variant.
Genome position (GRCh38, 1-based): chr2:73,490,302, A deleted; the last of 2 consecutive A bases (chr2:73,490,301-73,490,302); deleting either gives the same sequence. VCF-style (leftmost placement, unchanged base first): chr2-73490300-CA-C. GRCh37 (hg19) VCF-style: chr2-73717427-CA-C.
Other names: c.8346del, p.Asp2783fs (NM_015120.4); short protein forms D2783fs, D2782fs.
Identifiers: ClinVar variation 2018375 (VCV002018375.4), dbSNP rs2466215388, ClinGen allele CA2580068253.

ClinVar aggregate classification (germline): Pathogenic (1 of 4 stars; one submission).

Conditions:
Alstrom syndrome (ALMS). Identifiers: Orphanet 64, MedGen C0268425, MONDO:0008763, OMIM 203800.

Submission:

Labcorp Genetics (formerly Invitae), Labcorp
Classification: Pathogenic for Alstrom syndrome. Last evaluated: 2022-07-29. Review status: criteria provided, single submitter. Criteria: Invitae Variant Classification Sherloc (09022015). Collection method: clinical testing. Allele origin: germline.
Comment: For these reasons, this variant has been classified as Pathogenic. This variant has not been reported in the literature in individuals affected with ALMS1-related conditions. This sequence change creates a premature translational stop signal (p.Asp2783Ilefs*4) in the ALMS1 gene. It is expected to result in an absent or disrupted protein product. Loss-of-function variants in ALMS1 are known to be pathogenic (PMID: 17594715). This variant is not present in population databases (gnomAD no frequency).

Literature cited by the submitters: PubMed 17594715.